The following is an entry in ClinVar:

ClinVar aggregate classification (germline): Uncertain significance (1 of 4 stars; one submission).

Submission:

Labcorp Genetics (formerly Invitae), Labcorp
Classification: Uncertain significance. Last evaluated: 2020-11-06. Review status: criteria provided, single submitter. Criteria: Invitae Variant Classification Sherloc (09022015). Collection method: clinical testing. Allele origin: germline.
Comment: In summary, the available evidence is currently insufficient to determine the role of this variant in disease. Therefore, it has been classified as a Variant of Uncertain Significance. Experimental studies and prediction algorithms are not available or were not evaluated, and the functional significance of this variant is currently unknown. This variant has not been reported in the literature in individuals with MYO7A-related conditions. This variant is not present in population databases (ExAC no frequency). This variant, c.3755_3757del, results in the deletion of 1 amino acid(s) of the MYO7A protein (p.Thr1252del), but otherwise preserves the integrity of the reading frame.

NM_000260.4(MYO7A):c.3752CCA[1] (p.Thr1252del)

Gene: MYO7A (myosin VIIA; plus strand). Cytogenetic location: 11q13.5.
Variant type: Microsatellite.
Coding change: c.3752CCA[1] on transcript NM_000260.4 (MANE Select); one copy of the 3-base unit CCA starting at c.3752; the reference has two copies in a row; one copy, 3 bases deleted.
Protein change: p.Thr1252del; deletes threonine 1252.
Molecular consequence: inframe deletion.
Genome position (GRCh38, 1-based): chr11:77,190,701-77,190,703, CCA deleted; deleting any 3 consecutive bases within chr11:77,190,698-77,190,703 gives the same sequence; the position shown is the placement nearest the transcript's 3' end. VCF-style (leftmost placement, unchanged base first): chr11-77190697-GCCA-G. GRCh37 (hg19) VCF-style: chr11-76901742-GCCA-G.
Other names: c.3752CCA[1], p.Thr1252del (NM_001127180.2); c.3719CCA[1], p.Thr1241del (NM_001369365.1); short protein forms T1241del, T1252del.
Identifiers: ClinVar variation 1009561 (VCV001009561.8), dbSNP rs1955995865, ClinGen allele CA1984123964.